The following is an entry in ClinVar:

ClinVar aggregate classification (germline): Benign/Likely benign. Review status: criteria provided, multiple submitters, no conflicts (2 of 4 stars). 8 submissions from 8 submitters: Benign (5); Likely benign (2). 1 of the submissions does not count toward it. Last evaluated 2026-02-03.

Conditions:
Norman-Roberts syndrome (LIS2). Also called: Lissencephaly 2 (Norman-Roberts type). Identifiers: Orphanet 89844, MedGen C0796089, MONDO:0009760, OMIM 257320.
Familial temporal lobe epilepsy 7. Identifiers: Orphanet 101046, MedGen C4225327, MONDO:0014639, OMIM 616436.

Allele frequency attached by ClinVar (database versions not stated): 1000 Genomes Project 30x 0.02623; gnomAD 0.02037; 1000 Genomes Project 0.02396; ESP Exome Variant Server 0.02074; TOPMed 0.02380.
gnomAD v4.1: 6,338 of 1,576,612 alleles (0.4%); highest among the groups gnomAD compares: African/African-American, 7.7%; 227 homozygotes.

Submissions (8):

Labcorp Genetics (formerly Invitae), Labcorp
Classification: Benign for Familial temporal lobe epilepsy 7; Norman-Roberts syndrome. Last evaluated: 2026-02-03. Review status: criteria provided, single submitter. Criteria: Invitae Variant Classification Sherloc (09022015). Collection method: clinical testing. Allele origin: germline.

Mayo Clinic Laboratories, Mayo Clinic
Classification: Benign. Last evaluated: 2018-04-10. Review status: criteria provided, single submitter. Criteria: ACMG Guidelines, 2015. Collection method: clinical testing. Allele origin: germline. Observed: 8 variant alleles.

Illumina Laboratory Services, Illumina
Classification: Likely benign for Norman-Roberts syndrome. Last evaluated: 2017-04-27. Review status: criteria provided, single submitter. Criteria: ICSL Variant Classification Criteria 13 December 2019. Collection method: clinical testing. Allele origin: germline.
Comment: This variant was observed as part of a predisposition screen in an ostensibly healthy population. A literature search was performed for the gene, cDNA change, and amino acid change (where applicable). No publications were found based on this search. Allele frequency data from public databases allowed determination this variant is unlikely to cause disease. Therefore, this variant is classified as likely benign.

Eurofins Ntd Llc (ga)
Classification: Benign. Last evaluated: 2014-03-03. Review status: criteria provided, single submitter. Criteria: EGL Classification Definitions 2015. Collection method: clinical testing. Allele origin: germline. Observed: 6 variant alleles, 6 heterozygotes.

GeneDx
Classification: Benign. Last evaluated: 2014-01-30. Review status: criteria provided, single submitter. Criteria: GeneDx Variant Classification (06012015). Collection method: clinical testing. Allele origin: germline. Affected: yes.
Comment: This variant is considered likely benign or benign based on one or more of the following criteria: it is a conservative change, it occurs at a poorly conserved position in the protein, it is predicted to be benign by multiple in silico algorithms, and/or has population frequency not consistent with disease.

Breakthrough Genomics
Classification: Likely benign. Review status: criteria provided, single submitter. Criteria: ACMG Guidelines, 2015. Collection method: not provided. Allele origin: germline. Inheritance: Autosomal recessive inheritance. Affected: yes.

PreventionGenetics, part of Exact Sciences
Classification: Benign. Review status: criteria provided, single submitter. Criteria: ACMG Guidelines, 2015. Collection method: clinical testing. Allele origin: germline.

Genetic Services Laboratory, University of Chicago
Classification: Likely benign for AllHighlyPenetrant. Review status: no assertion criteria provided. Collection method: clinical testing. Allele origin: germline. Inheritance: Autosomal recessive inheritance. Not counted in ClinVar's aggregate classification.
Comment: Likely benign based on allele frequency in 1000 Genomes Project or ESP global frequency and its presence in a patient with a rare or unrelated disease phenotype. NOT Sanger confirmed.

NM_005045.4(RELN):c.26A>C (p.Gln9Pro)

Gene: RELN (reelin; minus strand). Cytogenetic location: 7q22.1.
Variant type: single nucleotide variant.
Coding change: c.26A>C on transcript NM_005045.4 (MANE Select); coding-DNA position 26, A replaced by C.
Protein change: p.Gln9Pro; replaces glutamine 9 with proline.
Molecular consequence: missense variant.
Genome position (GRCh38, 1-based): chr7:103,989,331, T>G on the plus strand (A>C on the coding strand, the complement: RELN is on the minus strand). VCF-style: chr7-103989331-T-G. GRCh37 (hg19) VCF-style: chr7-103629778-T-G.
Other names: p.Q9P:CAG>CCG; c.26A>C, p.Gln9Pro (NM_173054.3); short protein forms Q9P.
Identifiers: ClinVar variation 95217 (VCV000095217.25), dbSNP rs115165703, ClinGen allele CA148341.
Genomic context (GRCh38, chr7:103,989,331, plus strand): 5'-TAGCCAGCCGCCGCGCGCGCCCTCAGCGTCGCCCCCAGCAACAGCGCTAGGAGGAAAGTC[T>G]GCCGGGCCCAGCCACTGCGCTCCATGCCGCCGCCGCCGCCGCCGCCGCCGCGCGCCCTAC-3'
Protein context (NP_005036.2, residues 1-19): MERSGWAR[Gln9Pro]TFLLALLLGA